The following is an entry in ClinVar:

NM_015065.3(EXPH5):c.3233C>T (p.Ala1078Val)

Gene: EXPH5 (exophilin 5; minus strand). Cytogenetic location: 11q22.3.
Variant type: single nucleotide variant.
Coding change: c.3233C>T on transcript NM_015065.3 (MANE Select); coding-DNA position 3233, C replaced by T.
Protein change: p.Ala1078Val; replaces alanine 1078 with valine.
Molecular consequence: missense variant.
Genome position (GRCh38, 1-based): chr11:108,512,274, G>A on the plus strand (C>T on the coding strand, the complement: EXPH5 is on the minus strand). VCF-style: chr11-108512274-G-A. GRCh37 (hg19) VCF-style: chr11-108383001-G-A.
Other names: c.3005C>T, p.Ala1002Val (NM_001144763.2, NM_001441061.1, NM_001441067.1 and 5 more transcripts); c.2765C>T, p.Ala922Val (NM_001144764.2); c.2669C>T, p.Ala890Val (NM_001144765.2); c.3212C>T, p.Ala1071Val (NM_001308019.2); c.3230C>T, p.Ala1077Val (NM_001441059.1); c.3209C>T, p.Ala1070Val (NM_001441060.1); c.3002C>T, p.Ala1001Val (NM_001441073.1, NM_001441074.1, NM_001441075.1); c.2762C>T, p.Ala921Val (NM_001441076.1); short protein forms A1070V, A921V, A1001V, A1002V, A1078V, A890V, A1071V, A1077V.
Identifiers: ClinVar variation 4749240 (VCV004749240.1).
Genomic context (GRCh38, chr11:108,512,274, plus strand): 5'-CTCTCTGTGGCTTCAGGTGCTTCCAGGGCTGAGTCTGAAAGGACTTTGGAACATTCATTC[G>A]CTGACTCAGGAGAACTGGGACTAAATTTGTTTAACATATAGTTCCCCATTGCATCTTCCA-3'
Protein context (NP_055880.2, residues 1068-1088): NKFSPSSPES[Ala1078Val]NECSKVLSDS

ClinVar aggregate classification (germline): Uncertain significance (1 of 4 stars; one submission).

gnomAD v4.1: 153 of 1,612,992 alleles (0.0095%); highest among the groups gnomAD compares: Admixed American, 0.12%; no homozygotes.

Submission:

Labcorp Genetics (formerly Invitae), Labcorp
Classification: Uncertain significance. Last evaluated: 2026-01-22. Review status: criteria provided, single submitter. Criteria: Invitae Variant Classification Sherloc (09022015). Collection method: clinical testing. Allele origin: germline.
Comment: This sequence change replaces alanine, which is neutral and non-polar, with valine, which is neutral and non-polar, at codon 1078 of the EXPH5 protein (p.Ala1078Val). This variant is present in population databases (rs143268361, gnomAD 0.05%). This variant has not been reported in the literature in individuals affected with EXPH5-related conditions. An algorithm developed to predict the effect of missense changes on protein structure and function outputs the following: PolyPhen-2: "Benign". The valine amino acid residue is found in multiple mammalian species, which suggests that this missense change does not adversely affect protein function. In summary, the available evidence is currently insufficient to determine the role of this variant in disease. Therefore, it has been classified as a Variant of Uncertain Significance.